The following is an entry in ClinVar:

NM_000095.3(COMP):c.811G>C (p.Asp271His)

Gene: COMP (cartilage oligomeric matrix protein; minus strand). Cytogenetic location: 19p13.11.
Variant type: single nucleotide variant.
Coding change: c.811G>C on transcript NM_000095.3 (MANE Select); coding-DNA position 811, G replaced by C.
Protein change: p.Asp271His; replaces aspartic acid 271 with histidine.
Molecular consequence: missense variant.
Genome position (GRCh38, 1-based): chr19:18,788,466, C>G on the plus strand (G>C on the coding strand, the complement: COMP is on the minus strand). VCF-style: chr19-18788466-C-G. GRCh37 (hg19) VCF-style: chr19-18899275-C-G.
Other names: short protein forms D271H.
Identifiers: ClinVar variation 430218 (VCV000430218.2), dbSNP rs1131691835, ClinGen allele CA404892739.

ClinVar aggregate classification (germline): Likely pathogenic (1 of 4 stars; one submission).

Submission:

GeneDx
Classification: Likely pathogenic. Last evaluated: 2016-01-22. Review status: criteria provided, single submitter. Criteria: GeneDx Variant Classification (06012015). Collection method: clinical testing. Allele origin: germline. Affected: yes.
Comment: The D271H missense variant in the COMP gene has been reported apparently de novo in a patient with pseudoachondroplasia and no family history of the disorder (Deere et al., 1999). Functional studies have demonstrated that D271H fails to localize to the Golgi complex and endoplasmic reticulum (Chen et al., 2008). The D271H variant was not observed in approximately 6,500 individuals of European and African American ancestry in the NHLBI Exome Sequencing Project, indicating it is not a common benign variant in these populations. The D271H variant is a non-conservative amino acid substitution, which is likely to impact secondary protein structure as these residues differ in polarity, charge, size and/or other properties. This substitution occurs at a position that is conserved across species, and in silico analysis predicts this variant is probably damaging to the protein structure/function. Missense variants in the same and nearby residues (D271V, D269G, L272P) have been reported in the Human Gene Mutation Database in association with pseudoachondroplasia (Stenson et al., 2014), supporting the functional importance of this region of the protein. Therefore, this variant is likely pathogenic; however, the possibility that it is benign cannot be excluded.